The following is an entry in ClinVar:

NM_000660.7(TGFB1):c.374A>G (p.Lys125Arg)

Gene: TGFB1 (transforming growth factor beta 1; minus strand). Cytogenetic location: 19q13.2.
Variant type: single nucleotide variant.
Coding change: c.374A>G on transcript NM_000660.7 (MANE Select); coding-DNA position 374, A replaced by G.
Protein change: p.Lys125Arg; replaces lysine 125 with arginine.
Molecular consequence: missense variant.
Genome position (GRCh38, 1-based): chr19:41,348,437, T>C on the plus strand (A>G on the coding strand, the complement: TGFB1 is on the minus strand). VCF-style: chr19-41348437-T-C. GRCh37 (hg19) VCF-style: chr19-41854342-T-C.
Other names: short protein forms K125R.
Identifiers: ClinVar variation 2985240 (VCV002985240.3), dbSNP rs750486222, ClinGen allele CA9460105.

ClinVar aggregate classification (germline): Uncertain significance (1 of 4 stars; one submission).

Allele frequency attached by ClinVar (database versions not stated): TOPMed 0.00002; ExAC 0.00001; gnomAD 0.00001.

Submission:

Labcorp Genetics (formerly Invitae), Labcorp
Classification: Uncertain significance. Last evaluated: 2025-06-27. Review status: criteria provided, single submitter. Criteria: Invitae Variant Classification Sherloc (09022015). Collection method: clinical testing. Allele origin: germline.
Comment: This sequence change replaces lysine, which is basic and polar, with arginine, which is basic and polar, at codon 125 of the TGFB1 protein (p.Lys125Arg). This variant is present in population databases (rs750486222, gnomAD 0.0009%). This variant has not been reported in the literature in individuals affected with TGFB1-related conditions. ClinVar contains an entry for this variant (Variation ID: 2985240). Invitae Evidence Modeling of protein sequence and biophysical properties (such as structural, functional, and spatial information, amino acid conservation, physicochemical variation, residue mobility, and thermodynamic stability) indicates that this missense variant is not expected to disrupt TGFB1 protein function with a negative predictive value of 80%. In summary, the available evidence is currently insufficient to determine the role of this variant in disease. Therefore, it has been classified as a Variant of Uncertain Significance.